The following is an entry in ClinVar:

NM_001003694.2(BRPF1):c.304G>C (p.Asp102His)

Gene: BRPF1 (bromodomain and PHD finger containing 1; plus strand). Cytogenetic location: 3p25.3.
Variant type: single nucleotide variant.
Coding change: c.304G>C on transcript NM_001003694.2 (MANE Select); coding-DNA position 304, G replaced by C.
Protein change: p.Asp102His; replaces aspartic acid 102 with histidine.
Molecular consequence: missense variant. On other transcripts: non-coding transcript variant (1).
Genome position (GRCh38, 1-based): chr3:9,734,444, G>C. VCF-style: chr3-9734444-G-C. GRCh37 (hg19) VCF-style: chr3-9776128-G-C.
Other names: c.304G>C, p.Asp102His (NM_001319049.2, NM_001319050.2, NM_001410704.1 and 1 more transcripts); short protein forms D102H.
Identifiers: ClinVar variation 3375837 (VCV003375837.1).

ClinVar aggregate classification (germline): Uncertain significance (1 of 4 stars; one submission).

gnomAD v4.1: 2 of 1,614,002 alleles (0.00012%); highest among the groups gnomAD compares: Non-Finnish European, 0.00017%; no homozygotes.

Submission:

GeneDx
Classification: Uncertain significance. Last evaluated: 2024-05-02. Review status: criteria provided, single submitter. Criteria: GeneDx Variant Classification Process June 2021. Collection method: clinical testing. Allele origin: germline. Affected: yes.
Comment: Not observed at significant frequency in large population cohorts (gnomAD); In silico analysis supports that this missense variant has a deleterious effect on protein structure/function; Has not been previously published as pathogenic or benign to our knowledge